The following is an entry in ClinVar:

NM_001206927.2(DNAH8):c.13714+1G>T

Gene: DNAH8 (dynein axonemal heavy chain 8; plus strand). Cytogenetic location: 6p21.2.
Variant type: single nucleotide variant.
Coding change: c.13714+1G>T on transcript NM_001206927.2 (MANE Select); the canonical splice donor site of the intron after coding-DNA position 13714, G replaced by T.
Molecular consequence: splice donor variant.
Genome position (GRCh38, 1-based): chr6:39,012,638, G>T. VCF-style: chr6-39012638-G-T. GRCh37 (hg19) VCF-style: chr6-38980414-G-T.
Other names: c.13063+1G>T (NM_001371.4).
Identifiers: ClinVar variation 4738453 (VCV004738453.1).

ClinVar aggregate classification (germline): Likely pathogenic (1 of 4 stars; one submission).

Conditions:
Primary ciliary dyskinesia. Also called: Ciliary dyskinesia. Identifiers: Orphanet 244, MedGen C0008780, MONDO:0016575, HP:0012265.

gnomAD v4.1: 7 of 1,611,522 alleles (0.00043%); highest among the groups gnomAD compares: Admixed American, 0.0083%; no homozygotes.

Submission:

Labcorp Genetics (formerly Invitae), Labcorp
Classification: Likely pathogenic for Primary ciliary dyskinesia. Last evaluated: 2025-05-15. Review status: criteria provided, single submitter. Criteria: Invitae Variant Classification Sherloc (09022015). Collection method: clinical testing. Allele origin: germline.
Comment: This sequence change affects a donor splice site in intron 91 of the DNAH8 gene. It is expected to disrupt RNA splicing. Variants that disrupt the donor or acceptor splice site typically lead to a loss of protein function (PMID: 16199547), and loss-of-function variants in DNAH8 are known to be pathogenic (PMID: 24307375, 32619401, 32681648). This variant is present in population databases (rs765566629, gnomAD 0.01%). This variant has not been reported in the literature in individuals affected with DNAH8-related conditions. Algorithms developed to predict the effect of sequence changes on RNA splicing suggest that this variant may disrupt the consensus splice site. In summary, the currently available evidence indicates that the variant is pathogenic, but additional data are needed to prove that conclusively. Therefore, this variant has been classified as Likely Pathogenic.

Literature cited by the submitters: PubMed 16199547; PubMed 24307375; PubMed 32619401; PubMed 32681648.